The following is an entry in ClinVar:

NM_014484.5(MOCS3):c.805C>T (p.Pro269Ser)

Gene: MOCS3 (molybdenum cofactor synthesis 3; plus strand). Cytogenetic location: 20q13.13.
Variant type: single nucleotide variant.
Coding change: c.805C>T on transcript NM_014484.5 (MANE Select); coding-DNA position 805, C replaced by T.
Protein change: p.Pro269Ser; replaces proline 269 with serine.
Molecular consequence: missense variant.
Genome position (GRCh38, 1-based): chr20:50,959,647, C>T. VCF-style: chr20-50959647-C-T. GRCh37 (hg19) VCF-style: chr20-49576184-C-T.
Other names: short protein forms P269S.
Identifiers: ClinVar variation 1411509 (VCV001411509.6), dbSNP rs2123160205, ClinGen allele CA408984535.
Genomic context (GRCh38, chr20:50,959,647, plus strand): 5'-ACCGGGGTCCTGGGCTGCCTGCAGGCCTTGGAAGTGCTGAAAATCGCTGCGGGTCTGGGC[C>T]CCTCTTACAGTGGCAGCTTGTTGCTCTTTGATGCCCTGAGAGGGCATTTCCGCTCTATTC-3'
Protein context (NP_055299.1, residues 259-279): EVLKIAAGLG[Pro269Ser]SYSGSLLLFD

ClinVar aggregate classification (germline): Uncertain significance (1 of 4 stars; one submission).

Submission:

Labcorp Genetics (formerly Invitae), Labcorp
Classification: Uncertain significance. Last evaluated: 2021-08-15. Review status: criteria provided, single submitter. Criteria: Invitae Variant Classification Sherloc (09022015). Collection method: clinical testing. Allele origin: germline.
Comment: This sequence change replaces proline with serine at codon 269 of the MOCS3 protein (p.Pro269Ser). The proline residue is weakly conserved and there is a moderate physicochemical difference between proline and serine. This variant is not present in population databases (ExAC no frequency). This variant has not been reported in the literature in individuals affected with MOCS3-related conditions. Algorithms developed to predict the effect of missense changes on protein structure and function (SIFT, PolyPhen-2, Align-GVGD) all suggest that this variant is likely to be tolerated. In summary, the available evidence is currently insufficient to determine the role of this variant in disease. Therefore, it has been classified as a Variant of Uncertain Significance.